The following is an entry in ClinVar:

ClinVar aggregate classification (germline): Uncertain significance (1 of 4 stars; one submission).

Submission:

GeneDx
Classification: Uncertain significance. Last evaluated: 2022-10-13. Review status: criteria provided, single submitter. Criteria: GeneDx Variant Classification Process June 2021. Collection method: clinical testing. Allele origin: germline. Affected: yes.
Comment: Not observed at significant frequency in large population cohorts (gnomAD); In silico analysis supports that this missense variant does not alter protein structure/function; Has not been previously published as pathogenic or benign to our knowledge

NM_001038603.3(MARVELD2):c.1425A>C (p.Glu475Asp)

Gene: MARVELD2 (MARVEL domain containing 2; plus strand). Cytogenetic location: 5q13.2.
Variant type: single nucleotide variant.
Coding change: c.1425A>C on transcript NM_001038603.3 (MANE Select); coding-DNA position 1425, A replaced by C.
Protein change: p.Glu475Asp; replaces glutamic acid 475 with aspartic acid.
Molecular consequence: missense variant.
Genome position (GRCh38, 1-based): chr5:69,433,015, A>C. VCF-style: chr5-69433015-A-C. GRCh37 (hg19) VCF-style: chr5-68728842-A-C.
Other names: c.1389A>C, p.Glu463Asp (NM_001244734.2); short protein forms E463D, E475D.
Identifiers: ClinVar variation 2499415 (VCV002499415.1), dbSNP rs2534852912, ClinGen allele CA359927353.
Genomic context (GRCh38, chr5:69,433,015, plus strand): 5'-AGAACGCTATAAAGCTGTGTTCCAAGACCAGTTTTCAGAGTACAAAGAGCTGTCTGCAGA[A>C]GTTCAGGCTGTCCTGAGGAAGTTTGATGAGCTGGATGCAGTGATGAGCAGATTGCCACAT-3'
Protein context (NP_001033692.2, residues 465-485): QFSEYKELSA[Glu475Asp]VQAVLRKFDE